The following is an entry in ClinVar:

ClinVar aggregate classification (germline): Uncertain significance (1 of 4 stars; one submission).

Submission:

Labcorp Genetics (formerly Invitae), Labcorp
Classification: Uncertain significance. Last evaluated: 2021-06-10. Review status: criteria provided, single submitter. Criteria: Invitae Variant Classification Sherloc (09022015). Collection method: clinical testing. Allele origin: germline.
Comment: In summary, the available evidence is currently insufficient to determine the role of this variant in disease. Therefore, it has been classified as a Variant of Uncertain Significance. This variant has not been reported in the literature in individuals with PLEKHM2-related conditions. This variant is not present in population databases (ExAC no frequency). This sequence change creates a premature translational stop signal (p.Thr262Ilefs*24) in the PLEKHM2 gene. It is expected to result in an absent or disrupted protein product. However, the current clinical and genetic evidence is not sufficient to establish whether loss-of-function variants in PLEKHM2 cause disease.

NM_015164.4(PLEKHM2):c.781_784dup (p.Thr262fs)

Gene: PLEKHM2 (pleckstrin homology and RUN domain containing M2; plus strand). Cytogenetic location: 1p36.21.
Variant type: Duplication.
Coding change: c.781_784dup on transcript NM_015164.4 (MANE Select); coding-DNA positions 781 to 784, 4 bases duplicated (TCCA; older notation c.781_784dupTCCA).
Protein change: p.Thr262fs; shifts the reading frame from threonine 262.
Molecular consequence: frameshift variant.
Genome position (GRCh38, 1-based): chr1:15,725,385-15,725,388, TCCA duplicated. VCF-style (leftmost placement, unchanged base first): chr1-15725384-C-CTCCA. GRCh37 (hg19) VCF-style: chr1-16051879-C-CTCCA.
Other names: short protein forms T262fs.
Identifiers: ClinVar variation 1497676 (VCV001497676.6), dbSNP rs2148368750, ClinGen allele CA2573130699.
Genomic context (GRCh38, chr1:15,725,384, plus strand): 5'-CCTCACAGACACGGTCAGTGGTCCCCGCTCCACAGCCTCCGACCTGACCAGCAGCAAGGC[C>CTCCA]TCCACCAGGAGCCCCACCCAGCGCCAGAACCCCTTCAACGAGGAGCCGGCAGAGACTGTG-3'